The following is an entry in ClinVar:

ClinVar aggregate classification (germline): Uncertain significance (1 of 4 stars; one submission).

Conditions:
MHC class II deficiency. Also called: BLS, TYPE II; Bare lymphocyte syndrome 2. Identifiers: Orphanet 572, MedGen C5447452, MONDO:0008855.

Allele frequency attached by ClinVar (database versions not stated): ExAC 0.00001; 1000 Genomes Project 0.00020.

Submission:

Labcorp Genetics (formerly Invitae), Labcorp
Classification: Uncertain significance for MHC class II deficiency. Last evaluated: 2022-07-19. Review status: criteria provided, single submitter. Criteria: Invitae Variant Classification Sherloc (09022015). Collection method: clinical testing. Allele origin: germline.
Comment: This sequence change replaces arginine, which is basic and polar, with tryptophan, which is neutral and slightly polar, at codon 601 of the CIITA protein (p.Arg601Trp). The frequency data for this variant in the population databases is considered unreliable, as metrics indicate poor data quality at this position in the gnomAD database. This variant has not been reported in the literature in individuals affected with CIITA-related conditions. ClinVar contains an entry for this variant (Variation ID: 1465283). Algorithms developed to predict the effect of missense changes on protein structure and function are either unavailable or do not agree on the potential impact of this missense change (SIFT: "Tolerated"; PolyPhen-2: "Possibly Damaging"; Align-GVGD: "Class C0"). In summary, the available evidence is currently insufficient to determine the role of this variant in disease. Therefore, it has been classified as a Variant of Uncertain Significance.

NM_000246.4(CIITA):c.1801C>T (p.Arg601Trp)

Gene: CIITA (class II major histocompatibility complex transactivator; plus strand). Cytogenetic location: 16p13.13.
Variant type: single nucleotide variant.
Coding change: c.1801C>T on transcript NM_000246.4 (MANE Select); coding-DNA position 1801, C replaced by T.
Protein change: p.Arg601Trp; replaces arginine 601 with tryptophan.
Molecular consequence: missense variant. On other transcripts: intron variant (1).
Genome position (GRCh38, 1-based): chr16:10,907,293, C>T. VCF-style: chr16-10907293-C-T. GRCh37 (hg19) VCF-style: chr16-11001150-C-T.
Other names: c.1804C>T, p.Arg602Trp (NM_001286402.1, NM_001379332.1); c.1657C>T, p.Arg553Trp (NM_001379330.1); c.1654C>T, p.Arg552Trp (NM_001379331.1); c.1801C>T, p.Arg601Trp (NM_001379333.1); c.1732C>T, p.Arg578Trp (NM_001379334.1); c.860-1690C>T (NM_001286403.2); short protein forms R552W, R602W, R601W, R578W, R553W.
Identifiers: ClinVar variation 1465283 (VCV001465283.3), dbSNP rs569634954, ClinGen allele CA7900223.
Genomic context (GRCh38, chr16:10,907,293, plus strand): 5'-TACTTTGAGAGCTCAGGGATGACAGAGCACCAAGACAGAGCCCTGACGCTCCTCCGGGAC[C>T]GGCCACTTCTTCTCAGTCACAGCCACAGCCCTACTTTGTGCCGGGCAGTGTGCCAGCTCT-3'
Protein context (NP_000237.2, residues 591-611): QDRALTLLRD[Arg601Trp]PLLLSHSHSP